The following is an entry in ClinVar:

ClinVar aggregate classification (germline): Uncertain significance (1 of 4 stars; one submission).

Conditions:
Hereditary cancer-predisposing syndrome. Also called: Neoplastic Syndromes, Hereditary; Tumor predisposition; Hereditary neoplastic syndrome; Hereditary Cancer Syndrome. Identifiers: Orphanet 140162, MedGen C0027672, MeSH D009386, MONDO:0015356.

Submission:

Ambry Genetics
Classification: Uncertain significance for Hereditary cancer-predisposing syndrome. Last evaluated: 2024-04-12. Review status: criteria provided, single submitter. Criteria: Ambry Variant Classification Scheme 2023. Collection method: clinical testing. Allele origin: germline.
Comment: The p.A1061E variant (also known as c.3182C>A), located in coding exon 19 of the PTCH1 gene, results from a C to A substitution at nucleotide position 3182. The alanine at codon 1061 is replaced by glutamic acid, an amino acid with dissimilar properties. This amino acid position is conserved. In addition, this alteration is predicted to be deleterious by in silico analysis. Based on the available evidence, the clinical significance of this variant remains unclear.

NM_000264.5(PTCH1):c.3182C>A (p.Ala1061Glu)

Gene: PTCH1 (patched 1; minus strand). Cytogenetic location: 9q22.32.
Variant type: single nucleotide variant.
Coding change: c.3182C>A on transcript NM_000264.5 (MANE Select); coding-DNA position 3182, C replaced by A.
Protein change: p.Ala1061Glu; replaces alanine 1061 with glutamic acid.
Molecular consequence: missense variant. On other transcripts: non-coding transcript variant (1).
Genome position (GRCh38, 1-based): chr9:95,456,400, G>T on the plus strand (C>A on the coding strand, the complement: PTCH1 is on the minus strand). VCF-style: chr9-95456400-G-T. GRCh37 (hg19) VCF-style: chr9-98218682-G-T.
Other names: c.2984C>A, p.Ala995Glu (NM_001083602.3); c.3179C>A, p.Ala1060Glu (NM_001083603.3); c.2729C>A, p.Ala910Glu (NM_001083604.3, NM_001083605.3, NM_001083606.3 and 1 more transcripts); c.3026C>A, p.Ala1009Glu (NM_001354918.2); short protein forms A1009E, A1060E, A1061E, A910E, A995E.
Identifiers: ClinVar variation 3311159 (VCV003311159.1).
Genomic context (GRCh38, chr9:95,456,400, plus strand): 5'-ACGGCACTGAGCTTGATTCCGATGAGGCCCATCATGCCGAACAGCTCGACCGTCATCAGC[G>T]CCAGGACCATCACCTGGAGCAGGGCACACAGTGGTCAGTGGGCGGGCAGGTCACCCTCTG-3'
Protein context (NP_000255.2, residues 1051-1071): WTAGIIVMVL[Ala1061Glu]LMTVELFGMM